The following is an entry in ClinVar:

NM_032043.3(BRIP1):c.841C>T (p.His281Tyr)

Gene: BRIP1 (BRCA1 interacting helicase 1; minus strand). Cytogenetic location: 17q23.2.
Variant type: single nucleotide variant.
Coding change: c.841C>T on transcript NM_032043.3 (MANE Select); coding-DNA position 841, C replaced by T.
Protein change: p.His281Tyr; replaces histidine 281 with tyrosine.
Molecular consequence: missense variant.
Genome position (GRCh38, 1-based): chr17:61,808,544, G>A on the plus strand (C>T on the coding strand, the complement: BRIP1 is on the minus strand). VCF-style: chr17-61808544-G-A. GRCh37 (hg19) VCF-style: chr17-59885905-G-A.
Other names: short protein forms H281Y.
Identifiers: ClinVar variation 421913 (VCV000421913.2), dbSNP rs1064795442, ClinGen allele CA16620540.

ClinVar aggregate classification (germline): Uncertain significance (1 of 4 stars; one submission).

Submission:

GeneDx
Classification: Uncertain significance. Last evaluated: 2016-08-05. Review status: criteria provided, single submitter. Criteria: GeneDx Variant Classification (06012015). Collection method: clinical testing. Allele origin: germline. Affected: yes.
Comment: This variant is denoted BRIP1 c.841C>T at the cDNA level, p.His281Tyr (H281Y) at the protein level, and results in the change of a Histidine to a Tyrosine (CAT>TAT). This variant has not, to our knowledge, been published in the literature as pathogenic or benign. BRIP1 His281Tyr was not observed in approximately 6,500 individuals of European and African American ancestry in the NHLBI Exome Sequencing Project, suggesting it is not a common benign variant in these populations. Since Histidine and Tyrosine differ in polarity, charge, size or other properties, this is considered a non-conservative amino acid substitution. BRIP1 His281Tyr occurs at a position that is conserved in mammals and is located in the helicase ATP-binding domain (Cantor 2011, UniProt). In silico analyses predict that this variant is probably damaging to protein structure and function. Based on currently available evidence, it is unclear whether BRIP1 His281Tyr is a pathogenic or benign variant. We consider it to be a variant of uncertain significance.